The following is an entry in ClinVar:

NM_006180.6(NTRK2):c.1303G>A (p.Ala435Thr)

Gene: NTRK2 (neurotrophic receptor tyrosine kinase 2; plus strand). Cytogenetic location: 9q21.33.
Variant type: single nucleotide variant.
Coding change: c.1303G>A on transcript NM_006180.6 (MANE Select); coding-DNA position 1303, G replaced by A.
Protein change: p.Ala435Thr; replaces alanine 435 with threonine.
Molecular consequence: missense variant.
Genome position (GRCh38, 1-based): chr9:84,751,992, G>A. VCF-style: chr9-84751992-G-A. GRCh37 (hg19) VCF-style: chr9-87366907-G-A.
Other names: c.1303G>A, p.Ala435Thr (NM_001007097.3, NM_001018064.3, NM_001018065.2 and 15 more transcripts); c.1264G>A, p.Ala422Thr (NM_001291937.2, NM_001369546.1); c.1267G>A, p.Ala423Thr (NM_001369534.1); c.835G>A, p.Ala279Thr (NM_001369535.1, NM_001369536.1, NM_001369550.1 and 2 more transcripts); short protein forms A279T, A422T, A423T, A435T.
Identifiers: ClinVar variation 3350472 (VCV003350472.1).

ClinVar aggregate classification (germline): Uncertain significance (0 of 4 stars; one submission).

Conditions:
NTRK2-related disorder. Also called: NTRK2-related condition.

gnomAD v4.1: 7 of 1,613,924 alleles (0.00043%); highest among the groups gnomAD compares: East Asian, 0.0022%; no homozygotes.

Submission:

PreventionGenetics, part of Exact Sciences
Classification: Uncertain significance for NTRK2-related condition. Last evaluated: 2024-05-22. Review status: no assertion criteria provided. Collection method: clinical testing. Allele origin: germline.
Comment: The NTRK2 c.1303G>A variant is predicted to result in the amino acid substitution p.Ala435Thr. To our knowledge, this variant has not been reported in the literature or in a large population database, indicating this variant is rare. At this time, the clinical significance of this variant is uncertain due to the absence of conclusive functional and genetic evidence.